The following is an entry in ClinVar:

NM_001346754.2(PIGW):c.1003_1004del (p.Asp335fs)

Genes: MYO19 (myosin XIX; minus strand), PIGW (phosphatidylinositol glycan anchor biosynthesis class W; plus strand). Cytogenetic location: 17q12.
Variant type: Deletion.
Coding change: c.1003_1004del on transcript NM_001346754.2 (MANE Select); coding-DNA positions 1003 to 1004, 2 bases deleted (GA; older notation c.1003_1004delGA).
Protein change: p.Asp335fs; shifts the reading frame from aspartic acid 335.
Molecular consequence: frameshift variant.
Genome position (GRCh38, 1-based): chr17:36,538,104-36,538,105, GA deleted; deleting any 2 consecutive bases within chr17:36,538,103-36,538,105 gives the same sequence; the c. name uses the placement nearest the transcript's 3' end. VCF-style (leftmost placement, unchanged base first): chr17-36538102-AAG-A. GRCh37 (hg19) VCF-style: chr17-34893951-AAG-A.
Other names: c.1003_1004del, p.Asp335fs (NM_001346755.2, NM_178517.5); short protein forms D335fs.
Identifiers: ClinVar variation 3706817 (VCV003706817.2).

ClinVar aggregate classification (germline): Uncertain significance (1 of 4 stars; one submission).

Conditions:
Hyperphosphatasia with intellectual disability syndrome 5 (GPIBD11). Also called: GLYCOSYLPHOSPHATIDYLINOSITOL BIOSYNTHESIS DEFECT 11. Identifiers: Orphanet 247262, MedGen C4014958, MONDO:0014457, OMIM 616025.

Submission:

Labcorp Genetics (formerly Invitae), Labcorp
Classification: Uncertain significance for Hyperphosphatasia with intellectual disability syndrome 5. Last evaluated: 2024-10-30. Review status: criteria provided, single submitter. Criteria: Invitae Variant Classification Sherloc (09022015). Collection method: clinical testing. Allele origin: germline.
Comment: This sequence change creates a premature translational stop signal (p.Asp335Leufs*14) in the PIGW gene. While this is not anticipated to result in nonsense mediated decay, it is expected to disrupt the last 170 amino acid(s) of the PIGW protein. This variant is present in population databases (no rsID available, gnomAD 0.0009%). This variant has not been reported in the literature in individuals affected with PIGW-related conditions. Experimental studies and prediction algorithms are not available or were not evaluated, and the functional significance of this variant is currently unknown. In summary, the available evidence is currently insufficient to determine the role of this variant in disease. Therefore, it has been classified as a Variant of Uncertain Significance.